The following is an entry in ClinVar:

NC_000004.11:g.(?_113298934)_(114302627_?)dup

Genes: ALPK1 (alpha kinase 1; plus strand), ANK2 (ankyrin 2; plus strand), LARP7 (La ribonucleoprotein 7, transcriptional regulator; plus strand), MIR302A (microRNA 302a; minus strand), MIR302B (microRNA 302b; minus strand) and 5 more. Cytogenetic location: 4q25-26.
Variant type: Duplication.
Identifiers: ClinVar variation 3246713 (VCV003246713.1).

ClinVar aggregate classification (germline): Uncertain significance (1 of 4 stars; one submission).

Submission:

Labcorp Genetics (formerly Invitae), Labcorp
Classification: Uncertain significance. Last evaluated: 2023-10-22. Review status: criteria provided, single submitter. Criteria: Invitae Variant Classification Sherloc (09022015). Collection method: clinical testing. Allele origin: unknown.
Comment: A copy number gain of the genomic region encompassing the full coding sequence of the ALPK1 gene has been identified. The boundaries of this event are unknown as they extend beyond the assayed region for this gene and therefore may encompass additional genes. As the precise location of this event is unknown, it may be in tandem or it may be located elsewhere in the genome. This variant has not been reported in the literature in individuals affected with ALPK1-related conditions. Experimental studies and prediction algorithms are not available or were not evaluated, and the functional significance of this variant is currently unknown. In summary, the available evidence is currently insufficient to determine the role of this variant in disease. Therefore, it has been classified as a Variant of Uncertain Significance.